The following is an entry in ClinVar:

ClinVar aggregate classification (germline): Conflicting classifications of pathogenicity. Review status: criteria provided, conflicting classifications (1 of 4 stars). 3 submissions from 3 submitters: Uncertain significance (1); Likely benign (2). Last evaluated 2025-11-13.

Conditions:
ITPR1-related disorder. Also called: ITPR1-related condition.
Autosomal dominant cerebellar ataxia. Also called: Spinocerebellar Ataxia, Dominant. Identifiers: Orphanet 99, MedGen C4087347, MONDO:0020380.

Allele frequency attached by ClinVar (database versions not stated): ExAC 0.00003; gnomAD exomes 0.00004; gnomAD 0.00006 and 0.00007; TOPMed 0.00007; ESP Exome Variant Server 0.00008.
gnomAD v4.1: 81 of 1,613,476 alleles (0.005%); highest among the groups gnomAD compares: African/African-American, 0.035%; no homozygotes.

Submissions (3):

Labcorp Genetics (formerly Invitae), Labcorp
Classification: Likely benign. Last evaluated: 2025-11-13. Review status: criteria provided, single submitter. Criteria: Invitae Variant Classification Sherloc (09022015). Collection method: clinical testing. Allele origin: germline.

PreventionGenetics, part of Exact Sciences
Classification: Likely benign for ITPR1-related condition. Last evaluated: 2025-01-31. Review status: criteria provided, single submitter. Criteria: ACMG Guidelines, 2015. Collection method: clinical testing. Allele origin: germline.
Comment: This variant is classified as likely benign based on ACMG/AMP sequence variant interpretation guidelines (Richards et al. 2015 PMID: 25741868, with internal and published modifications).

Illumina Laboratory Services, Illumina
Classification: Uncertain significance for Spinocerebellar Ataxia, Dominant. Last evaluated: 2018-01-12. Review status: criteria provided, single submitter. Criteria: ICSL Variant Classification Criteria 13 December 2019. Collection method: clinical testing. Allele origin: germline.

NM_001378452.1(ITPR1):c.2808C>T (p.Gly936=)

Gene: ITPR1 (inositol 1,4,5-trisphosphate receptor type 1; plus strand). Cytogenetic location: 3p26.1.
Variant type: single nucleotide variant.
Coding change: c.2808C>T on transcript NM_001378452.1 (MANE Select); coding-DNA position 2808, C replaced by T.
Protein change: p.Gly936=; no amino-acid change (glycine 936 retained).
Molecular consequence: synonymous variant.
Genome position (GRCh38, 1-based): chr3:4,676,642, C>T. VCF-style: chr3-4676642-C-T. GRCh37 (hg19) VCF-style: chr3-4718326-C-T.
Other names: c.2781C>T, p.Gly927= (NM_001099952.4); c.2763C>T, p.Gly921= (NM_001168272.2); c.2736C>T, p.Gly912= (NM_002222.7).
Identifiers: ClinVar variation 901749 (VCV000901749.11), dbSNP rs373515668, ClinGen allele CA2231529.